The following is an entry in ClinVar:

ClinVar aggregate classification (germline): Uncertain significance. Review status: criteria provided, multiple submitters, no conflicts (2 of 4 stars). 7 submissions from 7 submitters: Uncertain significance (7). Last evaluated 2025-10-20.

Conditions:
Catecholaminergic polymorphic ventricular tachycardia 1. Also called: VENTRICULAR TACHYCARDIA, STRESS-INDUCED POLYMORPHIC 1; VENTRICULAR TACHYCARDIA, CATECHOLAMINERGIC POLYMORPHIC, 1, WITH OR WITHOUT ATRIAL DYSFUNCTION AND/OR DILATED CARDIOMYOPATHY; RYR2-Related Catecholaminergic Polymorphic Ventricular Tachycardia. Identifiers: Orphanet 3286, MedGen C1631597, MONDO:0011484, OMIM 604772.
Cardiomyopathy (CMYO). Also called: Cardiomyopathies. Identifiers: Orphanet 167848, MedGen C0878544, MONDO:0004994, HP:0001638. Inheritance: Various modes of inheritance.
Cardiovascular phenotype. Identifiers: MedGen CN230736.
Catecholaminergic polymorphic ventricular tachycardia (CVPT). Also called: Catecholamine-induced polymorphic ventricular tachycardia. Identifiers: Orphanet 3286, MedGen C5574922, MONDO:0017990.

Allele frequency attached by ClinVar (database versions not stated): gnomAD exomes 0.00001; gnomAD 0.00002 and 0.00003; TOPMed 0.00002; ESP Exome Variant Server 0.00009; 1000 Genomes Project 0.00020; 1000 Genomes Project 30x 0.00031.
gnomAD v4.1: 18 of 1,557,470 alleles (0.0012%); highest among the groups gnomAD compares: Admixed American, 0.0037%; no homozygotes.

Submissions (7):

Labcorp Genetics (formerly Invitae), Labcorp
Classification: Uncertain significance for Catecholaminergic polymorphic ventricular tachycardia 1. Last evaluated: 2025-10-20. Review status: criteria provided, single submitter. Criteria: Invitae Variant Classification Sherloc (09022015). Collection method: clinical testing. Allele origin: germline.
Comment: This sequence change replaces cysteine, which is neutral and slightly polar, with glycine, which is neutral and non-polar, at codon 3032 of the RYR2 protein (p.Cys3032Gly). This variant is present in population databases (rs193007458, gnomAD 0.004%). This variant has not been reported in the literature in individuals affected with RYR2-related conditions. ClinVar contains an entry for this variant (Variation ID: 582661). Invitae Evidence Modeling of protein sequence and biophysical properties (such as structural, functional, and spatial information, amino acid conservation, physicochemical variation, residue mobility, and thermodynamic stability) indicates that this missense variant is expected to disrupt RYR2 protein function with a positive predictive value of 95%. In summary, the available evidence is currently insufficient to determine the role of this variant in disease. Therefore, it has been classified as a Variant of Uncertain Significance.

Color Diagnostics, LLC DBA Color Health
Classification: Uncertain significance for Cardiomyopathy. Last evaluated: 2024-08-20. Review status: criteria provided, single submitter. Criteria: ACMG Guidelines, 2015. Collection method: clinical testing. Allele origin: germline.
Comment: This variant is located in the RYR2 protein. Computational prediction suggests that this variant may have deleterious impact on protein structure and function. To our knowledge, functional studies have not been reported for this variant. This variant has not been reported in individuals affected with cardiovascular disorders in the literature. This variant has not been identified in the general population by the Genome Aggregation Database (gnomAD). The available evidence is insufficient to determine the role of this variant in disease conclusively. Therefore, this variant is classified as a Variant of Uncertain Significance.

GeneDx
Classification: Uncertain significance. Last evaluated: 2024-07-08. Review status: criteria provided, single submitter. Criteria: GeneDx Variant Classification Process June 2021. Collection method: clinical testing. Allele origin: germline. Affected: yes.
Comment: Has not been previously published as pathogenic or benign to our knowledge; Not observed at significant frequency in large population cohorts (gnomAD); Not located in one of the three hot-spot regions of the RYR2 gene, where the majority of pathogenic missense variants occur (PMID: 19926015); In silico analysis supports that this missense variant has a deleterious effect on protein structure/function; This variant is associated with the following publications: (PMID: 19926015)

Blueprint Genetics
Classification: Uncertain significance. Last evaluated: 2024-01-05. Review status: criteria provided, single submitter. Criteria: ACMG Guidelines, 2015. Collection method: clinical testing. Allele origin: germline.

All of Us Research Program, National Institutes of Health
Classification: Uncertain significance for Catecholaminergic polymorphic ventricular tachycardia. Last evaluated: 2023-12-01. Review status: criteria provided, single submitter. Criteria: ACMG Guidelines, 2015. Collection method: clinical testing. Allele origin: germline. Inheritance: Autosomal dominant inheritance. Observed: 7 variant alleles, 7 heterozygotes.
Comment: This variant is located in the RYR2 protein. Computational prediction suggests that this variant may have deleterious impact on protein structure and function (internally defined REVEL score threshold >= 0.7, PMID: 27666373). To our knowledge, functional studies have not been reported for this variant. This variant has not been reported in individuals affected with cardiovascular disorders in the literature. This variant has not been identified in the general population by the Genome Aggregation Database (gnomAD). The available evidence is insufficient to determine the role of this variant in disease conclusively. Therefore, this variant is classified as a Variant of Uncertain Significance.

This study involves interpretation of variants in research participants for the purpose of population health screening. Participant phenotype was not available at the time of variant classification. Additional details can be found in publication PMID: 35346344, PMCID: PMC8962531

Ambry Genetics
Classification: Uncertain significance for Cardiovascular phenotype. Last evaluated: 2023-09-05. Review status: criteria provided, single submitter. Criteria: Ambry Variant Classification Scheme 2023. Collection method: clinical testing. Allele origin: germline.
Comment: The p.C3032G variant (also known as c.9094T>G), located in coding exon 64 of the RYR2 gene, results from a T to G substitution at nucleotide position 9094. The cysteine at codon 3032 is replaced by glycine, an amino acid with highly dissimilar properties. This amino acid position is highly conserved in available vertebrate species. In addition, this alteration is predicted to be deleterious by in silico analysis. Since supporting evidence is limited at this time, the clinical significance of this alteration remains unclear.

AiLife Diagnostics
Classification: Uncertain significance. Last evaluated: 2021-12-30. Review status: criteria provided, single submitter. Criteria: ACMG Guidelines, 2015. Collection method: clinical testing. Allele origin: germline. Affected: yes. Observed: 2 variant alleles.

Literature cited by the submitters: PubMed 28404607 (cited by Ambry Genetics).

NM_001035.3(RYR2):c.9094T>G (p.Cys3032Gly)

Gene: RYR2 (ryanodine receptor 2; plus strand). Cytogenetic location: 1q43.
Variant type: single nucleotide variant.
Coding change: c.9094T>G on transcript NM_001035.3 (MANE Select); coding-DNA position 9094, T replaced by G.
Protein change: p.Cys3032Gly; replaces cysteine 3032 with glycine.
Molecular consequence: missense variant.
Genome position (GRCh38, 1-based): chr1:237,698,991, T>G. VCF-style: chr1-237698991-T-G. GRCh37 (hg19) VCF-style: chr1-237862291-T-G.
Other names: c.9094T>G, p.Cys3032Gly (LRG_402t1); short protein forms C3032G.
Identifiers: ClinVar variation 582661 (VCV000582661.28), dbSNP rs193007458, ClinGen allele CA16621975.
Genomic context (GRCh38, chr1:237,698,991, plus strand): 5'-GGGCAATTTATACAGCATTTTGTTTCCTCTTTAGGCAATGATGCAACATCAATTGTCAAC[T>G]GTCTTCATATTTTGGGTCAGACTTTGGATGCAAGGTAAATGGATACATTTTTACCTAAAT-3'
Protein context (NP_001026.2, residues 3022-3042): FGNDATSIVN[Cys3032Gly]LHILGQTLDA